The following is an entry in ClinVar:

NM_020166.5(MCCC1):c.221_224del (p.Gln74fs)

Gene: MCCC1 (methylcrotonyl-CoA carboxylase subunit 1; minus strand). Cytogenetic location: 3q27.1.
Variant type: Deletion.
Coding change: c.221_224del on transcript NM_020166.5 (MANE Select); coding-DNA positions 221 to 224, 4 bases deleted (AGAC; older notation c.221_224delAGAC).
Protein change: p.Gln74fs; shifts the reading frame from glutamine 74.
Molecular consequence: frameshift variant. On other transcripts: non-coding transcript variant (1), intron variant (2).
Genome position (GRCh38, 1-based): chr3:183,092,458-183,092,461, GTCT deleted on the plus strand (AGAC on the coding strand, the reverse complement: MCCC1 is on the minus strand); deleting any 4 consecutive bases within chr3:183,092,458-183,092,463 gives the same sequence; the c. name uses the placement nearest the transcript's 3' end. VCF-style (leftmost placement, unchanged base first): chr3-183092457-AGTCT-A. GRCh37 (hg19) VCF-style: chr3-182810245-AGTCT-A.
Other names: c.-55+2098_-55+2101del (NM_001363880.1); c.44+2098_44+2101del (NM_001293273.2); short protein forms Q74fs.
Identifiers: ClinVar variation 1431460 (VCV001431460.6), dbSNP rs2108565864, ClinGen allele CA2573136802.

ClinVar aggregate classification (germline): Pathogenic (1 of 4 stars; one submission).

Conditions:
3-methylcrotonyl-CoA carboxylase 1 deficiency (MCC1D). Also called: MCC 1 deficiency; 3 Alpha methylcrotonylglycinuria 1; MCCD TYPE 1; METHYLCROTONYLGLYCINURIA TYPE I. Identifiers: Orphanet 6, MedGen CN028786, MONDO:0008861, OMIM 210200.

Submission:

Labcorp Genetics (formerly Invitae), Labcorp
Classification: Pathogenic for 3-methylcrotonyl-CoA carboxylase 1 deficiency. Last evaluated: 2024-01-09. Review status: criteria provided, single submitter. Criteria: Invitae Variant Classification Sherloc (09022015). Collection method: clinical testing. Allele origin: germline.
Comment: This sequence change creates a premature translational stop signal (p.Gln74Leufs*15) in the MCCC1 gene. It is expected to result in an absent or disrupted protein product. Loss-of-function variants in MCCC1 are known to be pathogenic (PMID: 11181649, 15359379, 22642865). This variant is not present in population databases (gnomAD no frequency). This variant has not been reported in the literature in individuals affected with MCCC1-related conditions. ClinVar contains an entry for this variant (Variation ID: 1431460). Algorithms developed to predict the effect of sequence changes on RNA splicing suggest that this variant may disrupt the consensus splice site. For these reasons, this variant has been classified as Pathogenic.

Literature cited by the submitters: PubMed 11181649; PubMed 15359379; PubMed 22642865.